The following is an entry in ClinVar:

ClinVar aggregate classification (germline): Uncertain significance (1 of 4 stars; one submission).

Conditions:
Early-infantile DEE. Also called: Early infantile epileptic encephalopathy; Early infantile epileptic encephalopathy with suppression bursts; Ohtahara syndrome. Identifiers: Orphanet 1934, MedGen C0393706, MONDO:0800491.

Submission:

Labcorp Genetics (formerly Invitae), Labcorp
Classification: Uncertain significance for Early-infantile DEE. Last evaluated: 2022-02-03. Review status: criteria provided, single submitter. Criteria: Invitae Variant Classification Sherloc (09022015). Collection method: clinical testing. Allele origin: germline.
Comment: Algorithms developed to predict the effect of missense changes on protein structure and function are either unavailable or do not agree on the potential impact of this missense change (SIFT: "Deleterious"; PolyPhen-2: "Probably Damaging"; Align-GVGD: "Class C0"). ClinVar contains an entry for this variant (Variation ID: 641731). This variant has not been reported in the literature in individuals affected with CACNA2D2-related conditions. This variant is not present in population databases (gnomAD no frequency). This sequence change replaces asparagine, which is neutral and polar, with lysine, which is basic and polar, at codon 226 of the CACNA2D2 protein (p.Asn226Lys). In summary, the available evidence is currently insufficient to determine the role of this variant in disease. Therefore, it has been classified as a Variant of Uncertain Significance.

NM_006030.4(CACNA2D2):c.678C>G (p.Asn226Lys)

Gene: CACNA2D2 (calcium voltage-gated channel auxiliary subunit alpha2delta 2; minus strand). Cytogenetic location: 3p21.31.
Variant type: single nucleotide variant.
Coding change: c.678C>G on transcript NM_006030.4 (MANE Select); coding-DNA position 678, C replaced by G.
Protein change: p.Asn226Lys; replaces asparagine 226 with lysine.
Molecular consequence: missense variant.
Genome position (GRCh38, 1-based): chr3:50,381,101, G>C on the plus strand (C>G on the coding strand, the complement: CACNA2D2 is on the minus strand). VCF-style: chr3-50381101-G-C. GRCh37 (hg19) VCF-style: chr3-50418532-G-C.
Other names: c.678C>G, p.Asn226Lys (NM_001005505.3, NM_001174051.3); c.471C>G, p.Asn157Lys (NM_001291101.1); short protein forms N157K, N226K.
Identifiers: ClinVar variation 641731 (VCV000641731.6), dbSNP rs1575605234, ClinGen allele CA352940660.